The following is an entry in ClinVar:

NM_000501.4(ELN):c.1162G>A (p.Gly388Arg)

Gene: ELN (elastin; plus strand). Cytogenetic location: 7q11.23.
Variant type: single nucleotide variant.
Coding change: c.1162G>A on transcript NM_000501.4 (MANE Select); coding-DNA position 1162, G replaced by A.
Protein change: p.Gly388Arg; replaces glycine 388 with arginine.
Molecular consequence: missense variant.
Genome position (GRCh38, 1-based): chr7:74,056,282, G>A. VCF-style: chr7-74056282-G-A. GRCh37 (hg19) VCF-style: chr7-73470612-G-A.
Other names: c.1132G>A, p.Gly378Arg (NM_001081752.3, NM_001278917.2); c.1177G>A, p.Gly393Arg (NM_001081753.3, NM_001081754.3); c.1162G>A, p.Gly388Arg (NM_001081755.3, NM_001278912.2, NM_001278915.2 and 1 more transcripts); c.1054G>A, p.Gly352Arg (NM_001278913.2); c.1147G>A, p.Gly383Arg (NM_001278914.2); c.1120G>A, p.Gly374Arg (NM_001278916.2); c.1030G>A, p.Gly344Arg (NM_001278918.2); short protein forms G388R, G393R, G344R, G352R, G374R, G378R, G383R.
Identifiers: ClinVar variation 4744230 (VCV004744230.2).
Genomic context (GRCh38, chr7:74,056,282, plus strand): 5'-AGCCTCTCTCACTGAGCTTCTTTTCTACTTGGCTCCCTTCCCTCTGCAGGGGCCAGGCCC[G>A]GAGTCGGAGTTGGAGGCATTCCTACTTACGGGGTTGGAGCTGGGGGCTTTCCCGGCTTTG-3'
Protein context (NP_000492.2, residues 378-398): AKAAKYGARP[Gly388Arg]VGVGGIPTYG

ClinVar aggregate classification (germline): Conflicting classifications of pathogenicity. Review status: criteria provided, conflicting classifications (1 of 4 stars). 2 submissions from 2 submitters: Uncertain significance (1); Likely benign (1). Last evaluated 2025-07-30.

Conditions:
Supravalvar aortic stenosis (SVAS). Also called: Supravalvar aortic stenosis, Eisenberg type. Identifiers: Orphanet 3193, MedGen C0003499, MONDO:0008504, OMIM 185500, HP:0004381.

gnomAD v4.1: 28 of 1,614,012 alleles (0.0017%); highest among the groups gnomAD compares: African/African-American, 0.008%; no homozygotes.

Submissions (2):

Labcorp Genetics (formerly Invitae), Labcorp
Classification: Uncertain significance for Supravalvar aortic stenosis. Last evaluated: 2025-07-30. Review status: criteria provided, single submitter. Criteria: Invitae Variant Classification Sherloc (09022015). Collection method: clinical testing. Allele origin: germline.
Comment: This sequence change replaces glycine, which is neutral and non-polar, with arginine, which is basic and polar, at codon 388 of the ELN protein (p.Gly388Arg). This variant is present in population databases (rs368711105, gnomAD 0.02%). This variant has not been reported in the literature in individuals affected with ELN-related conditions. Invitae Evidence Modeling of protein sequence and biophysical properties (such as structural, functional, and spatial information, amino acid conservation, physicochemical variation, residue mobility, and thermodynamic stability) indicates that this missense variant is not expected to disrupt ELN protein function with a negative predictive value of 80%. In summary, the available evidence is currently insufficient to determine the role of this variant in disease. Therefore, it has been classified as a Variant of Uncertain Significance.

Blueprint Genetics
Classification: Likely benign. Last evaluated: 2024-10-10. Review status: criteria provided, single submitter. Criteria: ACMG Guidelines, 2015. Collection method: clinical testing. Allele origin: germline.